The following is an entry in ClinVar:

NM_000094.4(COL7A1):c.4818+3_4818+6dup

Gene: COL7A1 (collagen type VII alpha 1 chain; minus strand). Cytogenetic location: 3p21.31.
Variant type: Duplication.
Coding change: c.4818+3_4818+6dup on transcript NM_000094.4 (MANE Select); bases 3 to 6 of the intron after coding-DNA position 4818, 4 bases duplicated (GAGT; older notation c.4818+3_4818+6dupGAGT).
Molecular consequence: splice donor variant.
Genome position (GRCh38, 1-based): chr3:48,581,442-48,581,445, ACTC duplicated on the plus strand (GAGT on the coding strand, the reverse complement: COL7A1 is on the minus strand); duplicating any 4 consecutive bases within chr3:48,581,442-48,581,448 gives the same sequence; the c. name uses the placement nearest the transcript's 3' end. VCF-style (leftmost placement, unchanged base first): chr3-48581441-T-TACTC. GRCh37 (hg19) VCF-style: chr3-48618874-T-TACTC.
Identifiers: ClinVar variation 2848643 (VCV002848643.3), dbSNP rs2531105647, ClinGen allele CA2739279150.

ClinVar aggregate classification (germline): Likely pathogenic (1 of 4 stars; one submission).

Submission:

Labcorp Genetics (formerly Invitae), Labcorp
Classification: Likely pathogenic. Last evaluated: 2023-04-25. Review status: criteria provided, single submitter. Criteria: Invitae Variant Classification Sherloc (09022015). Collection method: clinical testing. Allele origin: germline.
Comment: This sequence change falls in intron 50 of the COL7A1 gene. It does not directly change the encoded amino acid sequence of the COL7A1 protein. This variant is not present in population databases (gnomAD no frequency). In summary, the currently available evidence indicates that the variant is pathogenic, but additional data are needed to prove that conclusively. Therefore, this variant has been classified as Likely Pathogenic. Algorithms developed to predict the effect of sequence changes on RNA splicing suggest that this variant may disrupt the consensus splice site. This variant has been observed in individual(s) with autosomal recessive dystrophic epidermolysis bullosa (Invitae). In at least one individual the data is consistent with being in trans (on the opposite chromosome) from a pathogenic variant.